The following is an entry in ClinVar:

NM_003072.5(SMARCA4):c.131G>C (p.Gly44Ala)

Gene: SMARCA4 (SWI/SNF related BAF chromatin remodeling complex subunit ATPase 4; plus strand). Cytogenetic location: 19p13.2.
Variant type: single nucleotide variant.
Coding change: c.131G>C on transcript NM_003072.5 (MANE Select); coding-DNA position 131, G replaced by C.
Protein change: p.Gly44Ala; replaces glycine 44 with alanine.
Molecular consequence: missense variant. On other transcripts: non-coding transcript variant (1).
Genome position (GRCh38, 1-based): chr19:10,984,282, G>C. VCF-style: chr19-10984282-G-C. GRCh37 (hg19) VCF-style: chr19-11094958-G-C.
Other names: c.131G>C, p.Gly44Ala (NM_001128844.3, NM_001128845.2, NM_001128846.2 and 6 more transcripts); short protein forms G44A.
Identifiers: ClinVar variation 3636819 (VCV003636819.2).

ClinVar aggregate classification (germline): Uncertain significance (1 of 4 stars; one submission).

Conditions:
Rhabdoid tumor predisposition syndrome 2 (RTPS2). Identifiers: Orphanet 231108, Orphanet 69077, MedGen C2750074, MONDO:0013224, OMIM 613325.

Submission:

Labcorp Genetics (formerly Invitae), Labcorp
Classification: Uncertain significance for Rhabdoid tumor predisposition syndrome 2. Last evaluated: 2024-05-05. Review status: criteria provided, single submitter. Criteria: Invitae Variant Classification Sherloc (09022015). Collection method: clinical testing. Allele origin: germline.
Comment: This sequence change replaces glycine, which is neutral and non-polar, with alanine, which is neutral and non-polar, at codon 44 of the SMARCA4 protein (p.Gly44Ala). This variant is not present in population databases (gnomAD no frequency). This variant has not been reported in the literature in individuals affected with SMARCA4-related conditions. Advanced modeling of protein sequence and biophysical properties (such as structural, functional, and spatial information, amino acid conservation, physicochemical variation, residue mobility, and thermodynamic stability) has been performed at Invitae for this missense variant, however the output from this modeling did not meet the statistical confidence thresholds required to predict the impact of this variant on SMARCA4 protein function. In summary, the available evidence is currently insufficient to determine the role of this variant in disease. Therefore, it has been classified as a Variant of Uncertain Significance.